The following is an entry in ClinVar:

NM_024753.5(TTC21B):c.671C>T (p.Ala224Val)

Genes: TTC21B (tetratricopeptide repeat domain 21B; minus strand), TTC21B-AS1 (TTC21B antisense RNA 1; plus strand). Cytogenetic location: 2q24.3.
Variant type: single nucleotide variant.
Coding change: c.671C>T on transcript NM_024753.5 (MANE Select); coding-DNA position 671, C replaced by T.
Protein change: p.Ala224Val; replaces alanine 224 with valine.
Molecular consequence: missense variant.
Genome position (GRCh38, 1-based): chr2:165,941,066, G>A on the plus strand (C>T on the coding strand, the complement: TTC21B is on the minus strand). VCF-style: chr2-165941066-G-A. GRCh37 (hg19) VCF-style: chr2-166797576-G-A.
Other names: c.671C>T (NM_024753.3); short protein forms A224V.
Identifiers: ClinVar variation 2927888 (VCV002927888.5), dbSNP rs145022246, ClinGen allele CA1942376.

ClinVar aggregate classification (germline): Uncertain significance. Review status: criteria provided, multiple submitters, no conflicts (2 of 4 stars). 3 submissions from 3 submitters: Uncertain significance (3). Last evaluated 2025-12-02.

Conditions:
Inborn genetic diseases. Identifiers: MedGen C0950123, MeSH D030342.
Jeune thoracic dystrophy. Also called: Jeune syndrome; Infantile thoracic dystrophy; Thoracic pelvic phalangeal dystrophy; Jeune's syndrome; Chondroectodermal dysplasia-like syndrome; Short-rib thoracic dysplasia. Identifiers: Orphanet 474, MedGen C0265275, MONDO:0018770.
Nephronophthisis. Also called: Juvenile Nephronophthisis. Identifiers: Orphanet 655, MedGen C0687120, MONDO:0019005, HP:0000090.
Asphyxiating thoracic dystrophy 4 (SRTD4). Also called: SHORT-RIB THORACIC DYSPLASIA 4 WITH OR WITHOUT POLYDACTYLY; SHORT-RIB THORACIC DYSPLASIA 4. Identifiers: Orphanet 474, MedGen C3151185, MONDO:0013441, OMIM 613819.
Nephronophthisis 12 (NPHP12). Identifiers: Orphanet 655, MedGen C3151186, MONDO:0013442, OMIM 613820.

Allele frequency attached by ClinVar (database versions not stated): gnomAD exomes below 0.00001; ExAC 0.00001; gnomAD 0.00002; ESP Exome Variant Server 0.00008.
gnomAD v4.1: 7 of 1,613,764 alleles (0.00043%); highest among the groups gnomAD compares: African/African-American, 0.0013%; no homozygotes.

Submissions (3):

Ambry Genetics
Classification: Uncertain significance for Inborn genetic diseases. Last evaluated: 2025-12-02. Review status: criteria provided, single submitter. Criteria: Ambry Variant Classification Scheme 2023. Collection method: clinical testing. Allele origin: germline.

Fulgent Genetics
Classification: Uncertain significance for Asphyxiating thoracic dystrophy 4; Nephronophthisis 12. Last evaluated: 2024-05-24. Review status: criteria provided, single submitter. Criteria: ACMG Guidelines, 2015. Collection method: clinical testing. Allele origin: germline.

Labcorp Genetics (formerly Invitae), Labcorp
Classification: Uncertain significance for Jeune thoracic dystrophy; Nephronophthisis. Last evaluated: 2023-11-16. Review status: criteria provided, single submitter. Criteria: Invitae Variant Classification Sherloc (09022015). Collection method: clinical testing. Allele origin: germline.
Comment: This sequence change replaces alanine, which is neutral and non-polar, with valine, which is neutral and non-polar, at codon 224 of the TTC21B protein (p.Ala224Val). This variant is not present in population databases (gnomAD no frequency). This variant has not been reported in the literature in individuals affected with TTC21B-related conditions. Advanced modeling of protein sequence and biophysical properties (such as structural, functional, and spatial information, amino acid conservation, physicochemical variation, residue mobility, and thermodynamic stability) performed at Invitae indicates that this missense variant is not expected to disrupt TTC21B protein function with a negative predictive value of 80%. In summary, the available evidence is currently insufficient to determine the role of this variant in disease. Therefore, it has been classified as a Variant of Uncertain Significance.